The following is an entry in ClinVar:

ClinVar aggregate classification (germline): Uncertain significance (1 of 4 stars; one submission).

Allele frequency attached by ClinVar (database versions not stated): gnomAD exomes below 0.00001; TOPMed below 0.00001; gnomAD 0.00001.
gnomAD v4.1: 8 of 1,591,296 alleles (0.0005%); highest among the groups gnomAD compares: Non-Finnish European, 0.00026%; no homozygotes.

Submission:

Labcorp Genetics (formerly Invitae), Labcorp
Classification: Uncertain significance. Last evaluated: 2022-07-19. Review status: criteria provided, single submitter. Criteria: Invitae Variant Classification Sherloc (09022015). Collection method: clinical testing. Allele origin: germline.
Comment: Algorithms developed to predict the effect of sequence changes on RNA splicing suggest that this variant may create or strengthen a splice site. In summary, the available evidence is currently insufficient to determine the role of this variant in disease. Therefore, it has been classified as a Variant of Uncertain Significance. Algorithms developed to predict the effect of missense changes on protein structure and function (SIFT, PolyPhen-2, Align-GVGD) all suggest that this variant is likely to be tolerated. ClinVar contains an entry for this variant (Variation ID: 954152). This variant has not been reported in the literature in individuals affected with CWC27-related conditions. This variant is not present in population databases (gnomAD no frequency). This sequence change replaces lysine, which is basic and polar, with glutamic acid, which is acidic and polar, at codon 162 of the CWC27 protein (p.Lys162Glu).

NM_005869.4(CWC27):c.484A>G (p.Lys162Glu)

Gene: CWC27 (CWC27 spliceosome associated cyclophilin; plus strand). Cytogenetic location: 5q12.3.
Variant type: single nucleotide variant.
Coding change: c.484A>G on transcript NM_005869.4 (MANE Select); coding-DNA position 484, A replaced by G.
Protein change: p.Lys162Glu; replaces lysine 162 with glutamic acid.
Molecular consequence: missense variant.
Genome position (GRCh38, 1-based): chr5:64,785,568, A>G. VCF-style: chr5-64785568-A-G. GRCh37 (hg19) VCF-style: chr5-64081395-A-G.
Other names: c.484A>G, p.Lys162Glu (NM_001297644.1, NM_001297645.2, NM_001318000.2 and 1 more transcripts); short protein forms K162E.
Identifiers: ClinVar variation 954152 (VCV000954152.8), dbSNP rs1323531999, ClinGen allele CA359845538.